The following is an entry in ClinVar:

ClinVar aggregate classification (germline): Likely benign. Review status: criteria provided, multiple submitters, no conflicts (2 of 4 stars). 2 submissions from 2 submitters: Likely benign (2). Last evaluated 2026-02-01.

Conditions:
Glycogen storage disease type X (GSD10). Also called: MYOPATHY DUE TO PHOSPHOGLYCERATE MUTASE DEFICIENCY; PGAMM DEFICIENCY; PHOSPHOGLYCERATE MUTASE, MUSCLE, DEFICIENCY OF; Dimauro disease; GSD X; Glycogen storage disease due to phosphoglycerate mutase deficiency. Identifiers: Orphanet 97234, MedGen C0268149, MONDO:0009865, OMIM 261670.

Allele frequency attached by ClinVar (database versions not stated): gnomAD 0.00003 and 0.00004; gnomAD exomes 0.00003 and 0.00013; TOPMed 0.00005; ExAC 0.00010.

Submissions (2):

CeGaT Center for Human Genetics Tuebingen
Classification: Likely benign. Last evaluated: 2026-02-01. Review status: criteria provided, single submitter. Criteria: CeGaT Center For Human Genetics Tuebingen Variant Classification Criteria Version 2. Collection method: clinical testing. Allele origin: germline. Affected: yes. Observed: 1 variant allele.
Comment: PGAM2: BP4, BP7

Labcorp Genetics (formerly Invitae), Labcorp
Classification: Likely benign for Glycogen storage disease type X. Last evaluated: 2025-12-15. Review status: criteria provided, single submitter. Criteria: Invitae Variant Classification Sherloc (09022015). Collection method: clinical testing. Allele origin: germline.

NM_000290.4(PGAM2):c.636G>A (p.Thr212=)

Genes: DBNL (drebrin like; plus strand), PGAM2 (phosphoglycerate mutase 2; minus strand). Cytogenetic location: 7p13.
Variant type: single nucleotide variant.
Coding change: c.636G>A on transcript NM_000290.4 (MANE Select); coding-DNA position 636, G replaced by A.
Protein change: p.Thr212=; no amino-acid change (threonine 212 retained).
Molecular consequence: synonymous variant. On other transcripts: 3 prime UTR variant (6).
Genome position (GRCh38, 1-based): chr7:44,062,890, C>T on the plus strand (G>A on the coding strand, the complement: PGAM2 is on the minus strand). VCF-style: chr7-44062890-C-T. GRCh37 (hg19) VCF-style: chr7-44102489-C-T.
Other names: c.*1974C>T (NM_001014436.3, NM_001122956.2, NM_001284313.2 and 3 more transcripts).
Identifiers: ClinVar variation 786783 (VCV000786783.13), dbSNP rs755991460, ClinGen allele CA4236504.